The following is an entry in ClinVar:

NC_000003.11:g.(?_197677839)_(197677849_?)dup

Genes: DRC9 (dynein regulatory complex subunit 9; minus strand), RPL35A (ribosomal protein L35a; plus strand). Cytogenetic location: 3q29.
Variant type: Duplication.
Identifiers: ClinVar variation 3246900 (VCV003246900.1).

ClinVar aggregate classification (germline): Uncertain significance (1 of 4 stars; one submission).

Conditions:
Diamond-Blackfan anemia 5 (DBA5). Also called: RPL35A-Related Diamond-Blackfan Anemia. Identifiers: Orphanet 124, MedGen C2675859, MONDO:0012925, OMIM 612528.

Submission:

Labcorp Genetics (formerly Invitae), Labcorp
Classification: Uncertain significance for Diamond-Blackfan anemia 5. Last evaluated: 2023-09-19. Review status: criteria provided, single submitter. Criteria: Invitae Variant Classification Sherloc (09022015). Collection method: clinical testing. Allele origin: unknown.
Comment: In summary, the available evidence is currently insufficient to determine the role of this variant in disease. Therefore, it has been classified as a Variant of Uncertain Significance. Experimental studies and prediction algorithms are not available or were not evaluated, and the functional significance of this variant is currently unknown. This variant has not been reported in the literature in individuals affected with RPL35A-related conditions. This variant results in a copy number gain of the genomic region encompassing exon(s) 2 of the RPL35A gene. This region includes the initiator codon of the gene. This copy number gain extends beyond the assayed region for this gene and therefore may encompass additional genes. As the precise location of this event is unknown, it may be in tandem or it may be located elsewhere in the genome.